The following is an entry in ClinVar:

NM_019109.5(ALG1):c.49CTG[5] (p.Leu20dup)

Genes: ALG1 (ALG1 chitobiosyldiphosphodolichol beta-mannosyltransferase; plus strand), LOC130058383 (ATAC-STARR-seq lymphoblastoid active region 10348; plus strand). Cytogenetic location: 16p13.3.
Variant type: Microsatellite.
Coding change: c.49CTG[5] on transcript NM_019109.5 (MANE Select); five copies in a row of the 3-base unit CTG starting at c.49; the reference has four copies in a row; one copy, 3 bases duplicated; also written c.58_60dup.
Protein change: p.Leu20dup; duplicates leucine 20.
Molecular consequence: inframe insertion.
Genome position (GRCh38, 1-based): chr16:5,071,907-5,071,909, CTG duplicated; duplicating any 3 consecutive bases within chr16:5,071,897-5,071,909 gives the same sequence; the position shown is the placement nearest the transcript's 3' end. VCF-style (leftmost placement, unchanged base first): chr16-5071896-C-CGCT. GRCh37 (hg19) VCF-style: chr16-5121897-C-CGCT.
Other names: c.58_60dup (NM_019109.5).
Identifiers: ClinVar variation 1423129 (VCV001423129.4), dbSNP rs760240522, ClinGen allele CA7889655.

ClinVar aggregate classification (germline): Uncertain significance. Review status: criteria provided, multiple submitters, no conflicts (2 of 4 stars). 2 submissions from 2 submitters: Uncertain significance (2). Last evaluated 2022-07-19.

Conditions:
ALG1-congenital disorder of glycosylation. Also called: ALG1-CDG; CDG Ik; CONGENITAL DISORDER OF GLYCOSYLATION, TYPE Ik. Identifiers: Orphanet 79327, MedGen C2931005, MONDO:0012052, OMIM 608540.

Submissions (2):

Labcorp Genetics (formerly Invitae), Labcorp
Classification: Uncertain significance for ALG1-congenital disorder of glycosylation. Last evaluated: 2022-07-19. Review status: criteria provided, single submitter. Criteria: Invitae Variant Classification Sherloc (09022015). Collection method: clinical testing. Allele origin: germline.
Comment: This variant, c.58_60dup, results in the insertion of 1 amino acid(s) of the ALG1 protein (p.Leu20dup), but otherwise preserves the integrity of the reading frame. This variant is present in population databases (rs775964551, gnomAD 0.07%). This variant has not been reported in the literature in individuals affected with ALG1-related conditions. Experimental studies and prediction algorithms are not available or were not evaluated, and the functional significance of this variant is currently unknown. In summary, the available evidence is currently insufficient to determine the role of this variant in disease. Therefore, it has been classified as a Variant of Uncertain Significance.

Fulgent Genetics
Classification: Uncertain significance for ALG1-congenital disorder of glycosylation. Last evaluated: 2022-02-16. Review status: criteria provided, single submitter. Criteria: ACMG Guidelines, 2015. Collection method: clinical testing. Allele origin: unknown.